The following is an entry in ClinVar:

NM_000070.3(CAPN3):c.1992+1G>T

Gene: CAPN3 (calpain 3; plus strand). Cytogenetic location: 15q15.1.
Variant type: single nucleotide variant.
Coding change: c.1992+1G>T on transcript NM_000070.3 (MANE Select); the canonical splice donor site of the intron after coding-DNA position 1992, G replaced by T.
Molecular consequence: splice donor variant.
Genome position (GRCh38, 1-based): chr15:42,409,381, G>T. VCF-style: chr15-42409381-G-T. GRCh37 (hg19) VCF-style: chr15-42701579-G-T.
Other names: c.1974+1G>T (NM_024344.2); c.1716+1G>T (NM_173087.2); c.456+1G>T (NM_173088.2); c.-4+1G>T (NM_173090.2, NM_173089.2).
Identifiers: ClinVar variation 217154 (VCV000217154.82), dbSNP rs863224961, ClinGen allele CA347506.

ClinVar aggregate classification (germline): Pathogenic. Review status: criteria provided, multiple submitters, no conflicts (2 of 4 stars). 12 submissions from 12 submitters: Pathogenic (11). 1 of the submissions does not count toward it. Last evaluated 2025-12-10.

Conditions:
CAPN3-related disorder. Also called: CAPN3-related condition; CAPN3-related disorders. Identifiers: MedGen CN239245.
Abnormality of the musculature. Identifiers: MedGen C4021745, HP:0003011.
Muscular dystrophy, limb-girdle, autosomal dominant 4. Also called: Calpain-3-related limb-girdle muscular dystrophy D4; MUSCULAR DYSTROPHY, LIMB-GIRDLE, TYPE 1I. Identifiers: Orphanet 565909, MedGen C4748295, MONDO:0029133, OMIM 618129.
Autosomal recessive limb-girdle muscular dystrophy type 2A (LGMDR1). Also called: Muscular dystrophy, limb-girdle, type 2A, Amish; LEYDEN-MOEBIUS MUSCULAR DYSTROPHY; Limb-girdle muscular dystrophy, type 2A; Calpainopathy; MUSCULAR DYSTROPHY, PELVOFEMORAL. Identifiers: Orphanet 267, MedGen C1869123, MONDO:0009675, OMIM 253600. Disease mechanism: loss of function.

Allele frequency attached by ClinVar (database versions not stated): gnomAD exomes below 0.00001.
gnomAD v4.1: 9 of 1,613,882 alleles (0.00056%); highest among the groups gnomAD compares: Non-Finnish European, 0.00076%; no homozygotes.

Submissions (12):

Women's Health and Genetics/Laboratory Corporation of America, LabCorp
Classification: Pathogenic for Autosomal recessive limb-girdle muscular dystrophy type 2A. Last evaluated: 2025-12-10. Review status: criteria provided, single submitter. Criteria: LabCorp Variant Classification Summary - May 2015. Collection method: clinical testing. Allele origin: germline.
Comment: Variant summary: CAPN3 c.1992+1G>T is located in a canonical splice-site and is predicted to affect mRNA splicing resulting in a significantly altered protein due to either exon skipping, shortening, or inclusion of intronic material. Variants that disrupt the consensus splice site are a relatively common cause of aberrant splicing and loss of CAPN3 function. Several computational tools predict a significant impact on normal splicing: Four predict the variant abolishes a 5' splicing donor site. One predicts the variant creates a 5' donor site. One predicts the variant weakens a cryptic 5' donor site. At least one publication reports experimental evidence that this variant affects mRNA splicing in patient cells, resulting in 1 variant transcript with in-frame skipping of exon 17 and 1 variant transcript that includes 31 bp of intron 17 sequence (example, Nascimbeni_2010). The variant allele was found at a frequency of 4e-06 in 251266 control chromosomes. c.1992+1G>T has been observed in the presumed compound heterozygous or homozygous state in multiple individual(s) affected with clinical features of Autosomal recessive limb-girdle muscular dystrophy type 2A (example, Nascimbeni_2010, Borklu-Yucel_2020). These data indicate that the variant is likely to be associated with disease. At least one publication reports experimental evidence evaluating an impact on protein function, suggesting that protein may not be produced from this allele, however results were inconclusive (example, Nascimbeni_2010). The following publications have been ascertained in the context of this evaluation (PMID: 32140910, 20635405). ClinVar contains an entry for this variant (Variation ID: 217154). To our knowledge, this variant has not been reported in individuals with Muscular Dystrophy, Limb-Girdle, Autosomal Dominant 4. Based on the evidence outlined above, the variant was classified as pathogenic for Autosomal recessive limb-girdle muscular dystrophy type 2A.

Natera, Inc.
Classification: Pathogenic for Limb-girdle muscular dystrophy type 2A. Last evaluated: 2025-11-13. Review status: criteria provided, single submitter. Criteria: Natera Variant Classification Schema (03/2026). Collection method: clinical testing. Allele origin: germline.
Comment: The c.1992+1G>T variant in CAPN3 is a canonical splice donor site variant predicted to affect pre-mRNA splicing, which may result in an abnormal transcript and altered protein product. This variant may result in a truncated or dysfunctional protein product. This variant is rare in the general population with a frequency below the threshold expected for the associated phenotype(s). This variant has been observed in one or more individuals affected with the associated recessive disease, as either homozygous or compound heterozygous with a second variant (PMID: 18854869, 26404900). Given the available evidence, this variant is classified as Pathogenic.

Athena Diagnostics
Classification: Pathogenic. Last evaluated: 2024-08-30. Review status: criteria provided, single submitter. Criteria: Athena Diagnostics Criteria. Collection method: clinical testing. Allele origin: unknown.
Comment: This variant is expected to severely impact normal RNA splicing, and consequently, protein structure and/or function. The frequency of this variant in the general population is consistent with pathogenicity. Experiments in patient-derived samples showed absence or significant reduction in CAPN3 protein level/activity in multiple patients with clinical features associated with autosomal recessive limb-girdle muscular dystrophy (LGMD) (PMID: 17236769, 17526799). Assessment of experimental evidence suggests this variant results in abnormal protein function. (PMID: 20635405) In multiple individuals, this variant has been seen with a single recessive pathogenic variant in the same gene, suggesting this variant may also be pathogenic.

Revvity Omics, Revvity
Classification: Pathogenic. Last evaluated: 2024-08-11. Review status: criteria provided, single submitter. Criteria: ACMG Guidelines, 2015. Collection method: clinical testing. Allele origin: germline.

Labcorp Genetics (formerly Invitae), Labcorp
Classification: Pathogenic for Autosomal recessive limb-girdle muscular dystrophy type 2A. Last evaluated: 2023-12-06. Review status: criteria provided, single submitter. Criteria: Invitae Variant Classification Sherloc (09022015). Collection method: clinical testing. Allele origin: germline.
Comment: This sequence change affects a donor splice site in intron 17 of the CAPN3 gene. It is expected to disrupt RNA splicing. Variants that disrupt the donor or acceptor splice site typically lead to a loss of protein function (PMID: 16199547), and loss-of-function variants in CAPN3 are known to be pathogenic (PMID: 10330340, 15689361). This variant is present in population databases (no rsID available, gnomAD 0.0009%). Disruption of this splice site has been observed in individual(s) with autosomal recessive limb-girdle muscular dystrophy (PMID: 15221789, 17236769, 18055493, 18563459, 30919934, 32140910). ClinVar contains an entry for this variant (Variation ID: 217154). Algorithms developed to predict the effect of sequence changes on RNA splicing suggest that this variant may disrupt the consensus splice site. For these reasons, this variant has been classified as Pathogenic.

CeGaT Center for Human Genetics Tuebingen
Classification: Pathogenic. Last evaluated: 2023-10-01. Review status: criteria provided, single submitter. Criteria: CeGaT Center For Human Genetics Tuebingen Variant Classification Criteria Version 2. Collection method: clinical testing. Allele origin: germline. Affected: yes. Observed: 2 variant alleles.
Comment: CAPN3: PVS1, PM2

Baylor Genetics
Classification: Pathogenic for Muscular dystrophy, limb-girdle, autosomal dominant 4. Last evaluated: 2023-09-26. Review status: criteria provided, single submitter. Criteria: ACMG Guidelines, 2015. Collection method: clinical testing. Allele origin: unknown.

Myriad Genetics, Inc.
Classification: Pathogenic for Autosomal recessive limb-girdle muscular dystrophy type 2A. Last evaluated: 2021-11-16. Review status: criteria provided, single submitter. Criteria: Myriad Women's Health Autosomal Recessive and X-Linked Classification Criteria (2021). Collection method: clinical testing. Allele origin: unknown.
Comment: NM_000070.2(CAPN3):c.1992+1G>T is a canonical splice variant classified as pathogenic in the context of calpainopathy. c.1992+1G>T has been observed in cases with relevant disease (PMID: 18854869, 30919934). Functional assessments of this variant are available in the literature (PMID: 20635405). c.1992+1G>T has been observed in population frequency databases (gnomAD: NFE 0.01%). In summary, NM_000070.2(CAPN3):c.1992+1G>T is a canonical splice variant that has functional support for pathogenicity and has been observed more frequently in cases with the relevant disease than in healthy populations. Please note: this variant was assessed in the context of healthy population screening.

Kariminejad - Najmabadi Pathology & Genetics Center
Classification: Pathogenic for Abnormality of the musculature. Last evaluated: 2021-07-10. Review status: criteria provided, single submitter. Criteria: ACMG Guidelines, 2015. Collection method: clinical testing. Allele origin: germline. Affected: yes.

Blueprint Genetics
Classification: Pathogenic for CAPN3-related disorders. Last evaluated: 2021-04-26. Review status: criteria provided, single submitter. Criteria: ACMG Guidelines, 2015. Collection method: clinical testing. Allele origin: germline. Affected: yes. Observed: 4 variant alleles.

Eurofins Ntd Llc (ga)
Classification: Pathogenic. Last evaluated: 2017-08-22. Review status: criteria provided, single submitter. Criteria: EGL Classification Definitions 2015. Collection method: clinical testing. Allele origin: germline. Observed: 3 variant alleles, 3 heterozygotes.

Bioscientia Institut fuer Medizinische Diagnostik GmbH, Sonic Healthcare
Classification: Pathogenic for Autosomal recessive limb-girdle muscular dystrophy type 2A. Last evaluated: 2020-06-16. Review status: no assertion criteria provided. Collection method: clinical testing. Allele origin: germline. Affected: yes. Not counted in ClinVar's aggregate classification.

Literature cited by the submitters: PubMed 20635405 (cited by 3 submitters); PubMed 32140910 (cited by 3 submitters); PubMed 18854869 (cited by 3 submitters); PubMed 26404900 (cited by Natera, Inc.); PubMed 15689361 (cited by Athena Diagnostics and Labcorp Genetics (formerly Invitae), Labcorp); PubMed 28300015 (cited by Athena Diagnostics); PubMed 31555977 (cited by Athena Diagnostics); PubMed 33931068 (cited by Athena Diagnostics); PubMed 38361118 (cited by Athena Diagnostics); PubMed 15221789 (cited by Athena Diagnostics and Labcorp Genetics (formerly Invitae), Labcorp); PubMed 17236769 (cited by Athena Diagnostics and Labcorp Genetics (formerly Invitae), Labcorp); PubMed 30919934 (cited by 3 submitters); PubMed 18563459 (cited by Athena Diagnostics and Labcorp Genetics (formerly Invitae), Labcorp); PubMed 18055493 (cited by Athena Diagnostics and Labcorp Genetics (formerly Invitae), Labcorp); PubMed 10330340 (cited by Athena Diagnostics and Labcorp Genetics (formerly Invitae), Labcorp); PubMed 38374194 (cited by Athena Diagnostics); PubMed 37273706 (cited by Athena Diagnostics); PubMed 37377599 (cited by Athena Diagnostics); PubMed 17526799 (cited by Athena Diagnostics); PubMed 16199547 (cited by Labcorp Genetics (formerly Invitae), Labcorp).